The following is an entry in ClinVar:

NM_004385.5(VCAN):c.6053T>A (p.Val2018Asp)

Genes: VCAN (versican; plus strand), VCAN-AS1 (VCAN antisense RNA 1; minus strand). Cytogenetic location: 5q14.3.
Variant type: single nucleotide variant.
Coding change: c.6053T>A on transcript NM_004385.5 (MANE Select); coding-DNA position 6053, T replaced by A.
Protein change: p.Val2018Asp; replaces valine 2018 with aspartic acid.
Molecular consequence: missense variant. On other transcripts: intron variant (2).
Genome position (GRCh38, 1-based): chr5:83,539,056, T>A. VCF-style: chr5-83539056-T-A. GRCh37 (hg19) VCF-style: chr5-82834875-T-A.
Other names: c.6053T>A (NM_004385.4); c.3092T>A, p.Val1031Asp (NM_001164097.2); c.4004-6481T>A (NM_001164098.2); c.1043-6481T>A (NM_001126336.3); short protein forms V1031D, V2018D.
Identifiers: ClinVar variation 1377781 (VCV001377781.8), dbSNP rs370578105, ClinGen allele CA3333418.

ClinVar aggregate classification (germline): Conflicting classifications of pathogenicity. Review status: criteria provided, conflicting classifications (1 of 4 stars). 3 submissions from 3 submitters: Uncertain significance (2); Likely benign (1). Last evaluated 2026-09-01.

Conditions:
VCAN-related disorder. Also called: VCAN-related condition.

Allele frequency attached by ClinVar (database versions not stated): TOPMed 0.00001; gnomAD exomes 0.00002; ESP Exome Variant Server 0.00008; ExAC 0.00001; gnomAD 0.00001.

Submissions (3):

PreventionGenetics, part of Exact Sciences
Classification: Uncertain significance for VCAN-related condition. Last evaluated: 2026-09-01. Review status: criteria provided, single submitter. Criteria: ACMG Guidelines, 2015. Collection method: clinical testing. Allele origin: germline.
Comment: The VCAN c.6053T>A variant is predicted to result in the amino acid substitution p.Val2018Asp. To our knowledge, this variant has not been reported in the literature. This variant is reported in 0.0035% of alleles in individuals of European (Non-Finnish) descent in gnomAD. At this time, the clinical significance of this variant is uncertain due to the absence of conclusive functional and genetic evidence.

Labcorp Genetics (formerly Invitae), Labcorp
Classification: Uncertain significance. Last evaluated: 2025-04-16. Review status: criteria provided, single submitter. Criteria: Invitae Variant Classification Sherloc (09022015). Collection method: clinical testing. Allele origin: germline.
Comment: This sequence change replaces valine, which is neutral and non-polar, with aspartic acid, which is acidic and polar, at codon 2018 of the VCAN protein (p.Val2018Asp). This variant is present in population databases (rs370578105, gnomAD 0.005%). This variant has not been reported in the literature in individuals affected with VCAN-related conditions. ClinVar contains an entry for this variant (Variation ID: 1377781). An algorithm developed to predict the effect of missense changes on protein structure and function (PolyPhen-2) suggests that this variant is likely to be disruptive. In summary, the available evidence is currently insufficient to determine the role of this variant in disease. Therefore, it has been classified as a Variant of Uncertain Significance.

Blueprint Genetics
Classification: Likely benign. Last evaluated: 2022-04-11. Review status: criteria provided, single submitter. Criteria: ACMG Guidelines, 2015. Collection method: clinical testing. Allele origin: germline.